The following is an entry in ClinVar:

ClinVar aggregate classification (germline): Likely benign (0 of 4 stars; one submission).

Conditions:
RAB11FIP5-related disorder. Also called: RAB11FIP5-related condition.

Allele frequency attached by ClinVar (database versions not stated): 1000 Genomes Project 0.00020; 1000 Genomes Project 30x 0.00031; ESP Exome Variant Server 0.00046; TOPMed 0.00049; gnomAD 0.00055.
gnomAD v4.1: 259 of 1,613,942 alleles (0.016%); highest among the groups gnomAD compares: Middle Eastern, 0.2%; 1 homozygote.

Submission:

PreventionGenetics, part of Exact Sciences
Classification: Likely benign for RAB11FIP5-related condition. Last evaluated: 2019-02-19. Review status: no assertion criteria provided. Collection method: clinical testing. Allele origin: germline.
Comment: This variant is classified as likely benign based on ACMG/AMP sequence variant interpretation guidelines (Richards et al. 2015 PMID: 25741868, with internal and published modifications).

NM_001371272.1(RAB11FIP5):c.1076C>T (p.Ser359Leu)

Gene: RAB11FIP5 (RAB11 family interacting protein 5; minus strand). Cytogenetic location: 2p13.2.
Variant type: single nucleotide variant.
Coding change: c.1076C>T on transcript NM_001371272.1 (MANE Select); coding-DNA position 1076, C replaced by T.
Protein change: p.Ser359Leu; replaces serine 359 with leucine.
Molecular consequence: missense variant.
Genome position (GRCh38, 1-based): chr2:73,088,542, G>A on the plus strand (C>T on the coding strand, the complement: RAB11FIP5 is on the minus strand). VCF-style: chr2-73088542-G-A. GRCh37 (hg19) VCF-style: chr2-73315670-G-A.
Other names: c.1076C>T, p.Ser359Leu (NM_015470.3); short protein forms S359L.
Identifiers: ClinVar variation 3038934 (VCV003038934.2), dbSNP rs147128353, ClinGen allele CA1710090.